The following is an entry in ClinVar:

ClinVar aggregate classification (germline): Uncertain significance (1 of 4 stars; one submission).

Allele frequency attached by ClinVar (database versions not stated): gnomAD exomes below 0.00001; ExAC 0.00001.
gnomAD v4.1: 5 of 1,614,180 alleles (0.00031%); highest among the groups gnomAD compares: South Asian, 0.0033%; no homozygotes.

Submission:

Labcorp Genetics (formerly Invitae), Labcorp
Classification: Uncertain significance. Last evaluated: 2024-12-02. Review status: criteria provided, single submitter. Criteria: Invitae Variant Classification Sherloc (09022015). Collection method: clinical testing. Allele origin: germline.
Comment: This sequence change replaces glycine, which is neutral and non-polar, with arginine, which is basic and polar, at codon 1835 of the KMT2E protein (p.Gly1835Arg). This variant is present in population databases (rs746222430, gnomAD 0.006%). This variant has not been reported in the literature in individuals affected with KMT2E-related conditions. ClinVar contains an entry for this variant (Variation ID: 2102946). An algorithm developed to predict the effect of missense changes on protein structure and function (PolyPhen-2) suggests that this variant is likely to be disruptive. In summary, the available evidence is currently insufficient to determine the role of this variant in disease. Therefore, it has been classified as a Variant of Uncertain Significance.

NM_182931.3(KMT2E):c.5503G>A (p.Gly1835Arg)

Gene: KMT2E (lysine methyltransferase 2E (inactive); plus strand). Cytogenetic location: 7q22.3.
Variant type: single nucleotide variant.
Coding change: c.5503G>A on transcript NM_182931.3 (MANE Select); coding-DNA position 5503, G replaced by A.
Protein change: p.Gly1835Arg; replaces glycine 1835 with arginine.
Molecular consequence: missense variant.
Genome position (GRCh38, 1-based): chr7:105,113,259, G>A. VCF-style: chr7-105113259-G-A. GRCh37 (hg19) VCF-style: chr7-104753706-G-A.
Other names: c.5377G>A, p.Gly1793Arg (NM_001410908.1); c.5503G>A, p.Gly1835Arg (NM_018682.4); short protein forms G1793R, G1835R.
Identifiers: ClinVar variation 2102946 (VCV002102946.4), dbSNP rs746222430, ClinGen allele CA4425002.